The following is an entry in ClinVar:

NM_002465.4(MYBPC1):c.594T>C (p.Ser198=)

Gene: MYBPC1 (myosin binding protein C1; plus strand). Cytogenetic location: 12q23.2.
Variant type: single nucleotide variant.
Coding change: c.594T>C on transcript NM_002465.4 (MANE Select); coding-DNA position 594, T replaced by C.
Protein change: p.Ser198=; no amino-acid change (serine 198 retained).
Molecular consequence: synonymous variant.
Genome position (GRCh38, 1-based): chr12:101,634,591, T>C. VCF-style: chr12-101634591-T-C. GRCh37 (hg19) VCF-style: chr12-102028369-T-C.
Other names: c.519T>C, p.Ser173= (NM_001254718.3, NM_001254719.3, NM_001254721.3 and 4 more transcripts); c.483T>C, p.Ser161= (NM_001254720.3); c.441T>C, p.Ser147= (NM_001254722.3, NM_001404677.1, NM_001404679.1 and 2 more transcripts); c.480T>C, p.Ser160= (NM_001254723.3); c.594T>C, p.Ser198= (NM_001404675.1, NM_206819.4).
Identifiers: ClinVar variation 211545 (VCV000211545.17), dbSNP rs79442861, ClinGen allele CA208791.

ClinVar aggregate classification (germline): Benign/Likely benign. Review status: criteria provided, multiple submitters, no conflicts (2 of 4 stars). 6 submissions from 6 submitters: Benign (2); Likely benign (3). 1 of the submissions does not count toward it. Last evaluated 2024-10-02.

Conditions:
Lethal congenital contracture syndrome 4 (LCCS4). Identifiers: MedGen C3554046, MONDO:0013965, OMIM 614915.
Myopathy, congenital, with tremor. Also called: myogenic tremor; CONGENITAL MYOPATHY 16. Identifiers: MedGen C5231401, MONDO:0032797, OMIM 618524.
Arthrogryposis, distal, type 1B. Identifiers: Orphanet 1146, MedGen C3280526, MONDO:0013698, OMIM 614335.
MYBPC1-related disorder. Also called: MYBPC1-related condition.

Allele frequency attached by ClinVar (database versions not stated): gnomAD exomes 0.00051 and 0.00135; ExAC 0.00181; gnomAD 0.00515 and 0.00543; ESP Exome Variant Server 0.00584; TOPMed 0.00594; 1000 Genomes Project 0.00639; 1000 Genomes Project 30x 0.00734.
gnomAD v4.1: 1,568 of 1,613,154 alleles (0.097%); highest among the groups gnomAD compares: African/African-American, 1.9%; 14 homozygotes.

Submissions (6):

Blueprint Genetics
Classification: Likely benign. Last evaluated: 2024-10-02. Review status: criteria provided, single submitter. Criteria: ACMG Guidelines, 2015. Collection method: clinical testing. Allele origin: germline.

Fulgent Genetics
Classification: Likely benign for Arthrogryposis, distal, type 1B; Lethal congenital contracture syndrome 4; Myopathy, congenital, with tremor. Last evaluated: 2022-05-17. Review status: criteria provided, single submitter. Criteria: ACMG Guidelines, 2015. Collection method: clinical testing. Allele origin: unknown.

Labcorp Genetics (formerly Invitae), Labcorp
Classification: Benign. Last evaluated: 2018-06-12. Review status: criteria provided, single submitter. Criteria: Invitae Variant Classification Sherloc (09022015). Collection method: clinical testing. Allele origin: germline.

Illumina Laboratory Services, Illumina
Classification: Benign for Arthrogryposis, distal, type 1B. Last evaluated: 2018-01-13. Review status: criteria provided, single submitter. Criteria: ICSL Variant Classification Criteria 13 December 2019. Collection method: clinical testing. Allele origin: germline.
Comment: This variant was observed in the ICSL laboratory as part of a predisposition screen in an ostensibly healthy population. It had not been previously curated by ICSL or reported in the Human Gene Mutation Database (HGMD: prior to June 1st, 2018), and was therefore a candidate for classification through an automated scoring system. Utilizing variant allele frequency, disease prevalence and penetrance estimates, and inheritance mode, an automated score was calculated to assess if this variant is too frequent to cause the disease. Based on the score and internal cut-off values, a variant classified as benign is not then subjected to further curation. The score for this variant resulted in a classification of benign for this disease.

Genetic Services Laboratory, University of Chicago
Classification: Likely benign. Last evaluated: 2015-07-24. Review status: criteria provided, single submitter. Criteria: ACMG Guidelines, 2015. Collection method: clinical testing. Allele origin: germline.

PreventionGenetics, part of Exact Sciences
Classification: Benign for MYBPC1-related condition. Last evaluated: 2019-10-24. Review status: no assertion criteria provided. Collection method: clinical testing. Allele origin: germline. Not counted in ClinVar's aggregate classification.
Comment: This variant is classified as benign based on ACMG/AMP sequence variant interpretation guidelines (Richards et al. 2015 PMID: 25741868, with internal and published modifications).